The following is an entry in ClinVar:

NM_006662.3(SRCAP):c.7627C>T (p.Leu2543Phe)

Gene: SRCAP (Snf2 related CREBBP activator protein; plus strand). Cytogenetic location: 16p11.2.
Variant type: single nucleotide variant.
Coding change: c.7627C>T on transcript NM_006662.3 (MANE Select); coding-DNA position 7627, C replaced by T.
Protein change: p.Leu2543Phe; replaces leucine 2543 with phenylalanine.
Molecular consequence: missense variant.
Genome position (GRCh38, 1-based): chr16:30,737,667, C>T. VCF-style: chr16-30737667-C-T. GRCh37 (hg19) VCF-style: chr16-30748988-C-T.
Other names: short protein forms L2543F.
Identifiers: ClinVar variation 4805299 (VCV004805299.1).

ClinVar aggregate classification (germline): Uncertain significance (1 of 4 stars; one submission).

gnomAD v4.1: 1 of 1,614,162 alleles (0.000062%); highest among the groups gnomAD compares: Non-Finnish European, 0.000085%; no homozygotes.

Submission:

Labcorp Genetics (formerly Invitae), Labcorp
Classification: Uncertain significance. Last evaluated: 2025-06-29. Review status: criteria provided, single submitter. Criteria: Invitae Variant Classification Sherloc (09022015). Collection method: clinical testing. Allele origin: germline.
Comment: This sequence change replaces leucine, which is neutral and non-polar, with phenylalanine, which is neutral and non-polar, at codon 2543 of the SRCAP protein (p.Leu2543Phe). This variant is not present in population databases (gnomAD no frequency). This variant has not been reported in the literature in individuals affected with SRCAP-related conditions. Invitae Evidence Modeling of protein sequence and biophysical properties (such as structural, functional, and spatial information, amino acid conservation, physicochemical variation, residue mobility, and thermodynamic stability) indicates that this missense variant is not expected to disrupt SRCAP protein function with a negative predictive value of 80%. In summary, the available evidence is currently insufficient to determine the role of this variant in disease. Therefore, it has been classified as a Variant of Uncertain Significance.